The following is an entry in ClinVar:

ClinVar aggregate classification (germline): Benign/Likely benign. Review status: criteria provided, multiple submitters, no conflicts (2 of 4 stars). 3 submissions from 3 submitters: Benign (1); Likely benign (2). Last evaluated 2025-11-13.

Allele frequency attached by ClinVar (database versions not stated): gnomAD 0.00011 and 0.00012; ESP Exome Variant Server 0.00015; TOPMed 0.00023.
gnomAD v4.1: 210 of 1,613,992 alleles (0.013%); highest among the groups gnomAD compares: Admixed American, 0.012%; no homozygotes.

Submissions (3):

Labcorp Genetics (formerly Invitae), Labcorp
Classification: Likely benign. Last evaluated: 2025-11-13. Review status: criteria provided, single submitter. Criteria: Invitae Variant Classification Sherloc (09022015). Collection method: clinical testing. Allele origin: germline.

Mayo Clinic Laboratories, Mayo Clinic
Classification: Benign. Last evaluated: 2024-11-26. Review status: criteria provided, single submitter. Criteria: ACMG Guidelines, 2015. Collection method: clinical testing. Allele origin: germline. Observed: 1 variant allele.
Comment: BS1, BS2, BP4, BP7

Blueprint Genetics
Classification: Likely benign. Last evaluated: 2024-10-24. Review status: criteria provided, single submitter. Criteria: ACMG Guidelines, 2015. Collection method: clinical testing. Allele origin: germline.

NM_015215.4(CAMTA1):c.2841G>A (p.Ser947=)

Gene: CAMTA1 (calmodulin binding transcription activator 1; plus strand). Cytogenetic location: 1p36.23.
Variant type: single nucleotide variant.
Coding change: c.2841G>A on transcript NM_015215.4 (MANE Select); coding-DNA position 2841, G replaced by A.
Protein change: p.Ser947=; no amino-acid change (serine 947 retained).
Molecular consequence: synonymous variant. On other transcripts: 5 prime UTR variant (6).
Genome position (GRCh38, 1-based): chr1:7,677,660, G>A. VCF-style: chr1-7677660-G-A. GRCh37 (hg19) VCF-style: chr1-7737720-G-A.
Other names: p.Ser947=; c.2751G>A, p.Ser917= (NM_001349608.2, NM_001349612.2); c.2841G>A, p.Ser947= (NM_001349609.2, NM_001349610.2); c.-88G>A (NM_001349614.1, NM_001349617.1, NM_001349620.1 and 3 more transcripts).
Identifiers: ClinVar variation 727435 (VCV000727435.8), dbSNP rs372537435, ClinGen allele CA566754.